The following is an entry in ClinVar:

NM_014989.7(RIMS1):c.4027G>A (p.Asp1343Asn)

Gene: RIMS1 (regulating synaptic membrane exocytosis 1; plus strand). Cytogenetic location: 6q13.
Variant type: single nucleotide variant.
Coding change: c.4027G>A on transcript NM_014989.7 (MANE Select); coding-DNA position 4027, G replaced by A.
Protein change: p.Asp1343Asn; replaces aspartic acid 1343 with asparagine.
Molecular consequence: missense variant. On other transcripts: intron variant (24).
Genome position (GRCh38, 1-based): chr6:72,313,569, G>A. VCF-style: chr6-72313569-G-A. GRCh37 (hg19) VCF-style: chr6-73023272-G-A.
Other names: c.1987G>A, p.Asp663Asn (NM_001168407.2); c.1948G>A, p.Asp650Asn (NM_001350414.2); c.2071G>A, p.Asp691Asn (NM_001350415.2); c.2020G>A, p.Asp674Asn (NM_001350416.2); c.1993G>A, p.Asp665Asn (NM_001350418.2); c.2101G>A, p.Asp701Asn (NM_001350420.2); c.1846G>A, p.Asp616Asn (NM_001350421.2); c.1762G>A, p.Asp588Asn (NM_001350423.2, NM_001350444.2); and 51 more; short protein forms D559N, D569N, D574N, D588N, D589N, D610N, D612N, D650N.
Identifiers: ClinVar variation 1486543 (VCV001486543.8), dbSNP rs2154295976, ClinGen allele CA364691035.

ClinVar aggregate classification (germline): Uncertain significance (1 of 4 stars; one submission).

Submission:

Labcorp Genetics (formerly Invitae), Labcorp
Classification: Uncertain significance. Last evaluated: 2022-07-12. Review status: criteria provided, single submitter. Criteria: Invitae Variant Classification Sherloc (09022015). Collection method: clinical testing. Allele origin: germline.
Comment: This variant is not present in population databases (gnomAD no frequency). In summary, the available evidence is currently insufficient to determine the role of this variant in disease. Therefore, it has been classified as a Variant of Uncertain Significance. Algorithms developed to predict the effect of missense changes on protein structure and function are either unavailable or do not agree on the potential impact of this missense change (SIFT: "Deleterious"; PolyPhen-2: "Probably Damaging"; Align-GVGD: "Class C15"). ClinVar contains an entry for this variant (Variation ID: 1486543). This missense change has been observed in individual(s) with clinical features of cone-rod dystrophy (Invitae). This sequence change replaces aspartic acid, which is acidic and polar, with asparagine, which is neutral and polar, at codon 1343 of the RIMS1 protein (p.Asp1343Asn).